The following is an entry in ClinVar:

ClinVar aggregate classification (germline): Likely pathogenic (1 of 4 stars; one submission).

Submission:

Labcorp Genetics (formerly Invitae), Labcorp
Classification: Likely pathogenic. Last evaluated: 2025-12-09. Review status: criteria provided, single submitter. Criteria: Invitae Variant Classification Sherloc (09022015). Collection method: clinical testing. Allele origin: germline.
Comment: This sequence change affects a donor splice site in intron 7 of the GPAA1 gene. It is expected to disrupt RNA splicing. Variants that disrupt the donor or acceptor splice site typically lead to a loss of protein function (PMID: 16199547), and loss-of-function variants in GPAA1 are known to be pathogenic (PMID: 29100095). This variant is not present in population databases (gnomAD no frequency). This variant has not been reported in the literature in individuals affected with GPAA1-related conditions. Algorithms developed to predict the effect of sequence changes on RNA splicing suggest that this variant may disrupt the consensus splice site. In summary, the currently available evidence indicates that the variant is pathogenic, but additional data are needed to prove that conclusively. Therefore, this variant has been classified as Likely Pathogenic.

Literature cited by the submitters: PubMed 16199547; PubMed 29100095.

NM_003801.4(GPAA1):c.1010+1G>A

Gene: GPAA1 (glycosylphosphatidylinositol anchor attachment 1; plus strand). Cytogenetic location: 8q24.3.
Variant type: single nucleotide variant.
Coding change: c.1010+1G>A on transcript NM_003801.4 (MANE Select); the canonical splice donor site of the intron after coding-DNA position 1010, G replaced by A.
Molecular consequence: splice donor variant.
Genome position (GRCh38, 1-based): chr8:144,084,610, G>A. VCF-style: chr8-144084610-G-A. GRCh37 (hg19) VCF-style: chr8-145139513-G-A.
Identifiers: ClinVar variation 4775735 (VCV004775735.1).
Genomic context (GRCh38, chr8:144,084,610, plus strand): 5'-AACCCTGCGTGGCATCAATAGCTTCCGCCAGTACAAGTATGACCTGGTGGCAGTGGGCAA[G>A]TAAGTAGTCTCTGGTCCCCCCTTTCCATGCCCAGGATGGGGTCTAGCTGGAGCGGAGTGG-3'